The following is an entry in ClinVar:

NM_000277.3(PAH):c.1068C>G (p.Tyr356Ter)

Gene: PAH (phenylalanine hydroxylase; minus strand). Cytogenetic location: 12q23.2.
Variant type: single nucleotide variant.
Coding change: c.1068C>G on transcript NM_000277.3 (MANE Select); coding-DNA position 1068, C replaced by G.
Protein change: p.Tyr356Ter; replaces tyrosine 356 with a stop codon.
Molecular consequence: nonsense.
Genome position (GRCh38, 1-based): chr12:102,843,777, G>C on the plus strand (C>G on the coding strand, the complement: PAH is on the minus strand). VCF-style: chr12-102843777-G-C. GRCh37 (hg19) VCF-style: chr12-103237555-G-C.
Other names: NM_000277.2(PAH):c.1068C>G; c.1068C>G, p.Tyr356Ter (NM_001354304.2); short protein forms Y356*.
Identifiers: ClinVar variation 595 (VCV000000595.103), dbSNP rs62516095, ClinGen allele CA229327.

ClinVar aggregate classification (germline): Pathogenic. Review status: reviewed by expert panel (3 of 4 stars). 8 submissions from 8 submitters: Pathogenic (1). 7 of the submissions do not count toward it. Last evaluated 2018-08-07.

Conditions:
Phenylketonuria (PKU). Also called: Phenylketonuria (PKU); Phenylketonurias; OLIGOPHRENIA PHENYLPYRUVICA; FOLLING DISEASE. Identifiers: Orphanet 716, MedGen C0031485, MONDO:0009861, OMIM 261600. Disease mechanism: loss of function.

Allele frequency attached by ClinVar (database versions not stated): gnomAD 0.00003; TOPMed 0.00002.
gnomAD v4.1: 43 of 1,613,508 alleles (0.0027%); highest among the groups gnomAD compares: Non-Finnish European, 0.0035%; no homozygotes.

Submissions (8):

ClinGen PAH Variant Curation Expert Panel
Classification: Pathogenic for Phenylketonuria. Last evaluated: 2018-08-07. Review status: reviewed by expert panel. Criteria: ClinGen PAH ACMG Specifications v1. Collection method: curation. Allele origin: germline. Inheritance: Autosomal recessive inheritance.
Comment: PAH-specific ACMG/AMP criteria applied: PVS1: Nonsense variant; PM2: ExAC MAF:0.00006.; PP4_Moderate: seen in classic and mild PKU patients. BH4 deficiency excluded.. In summary this variant meets criteria to be classified as pathogenic for phenylketonuria in an autosomal recessive manner based on the ACMG/AMP criteria applied as specified by the PAH Expert Panel: (PVS1, PM2, PP4_Moderate).

GeneDx
Classification: Pathogenic. Last evaluated: 2026-01-08. Review status: criteria provided, single submitter. Criteria: GeneDx Variant Classification Process June 2021. Collection method: clinical testing. Allele origin: germline. Affected: yes. Not counted in ClinVar's aggregate classification.
Comment: Nonsense variant predicted to result in protein truncation or nonsense mediated decay in a gene for which loss-of-function is a known mechanism of disease; Published functional studies demonstrate a damaging effect, resulting in very low residual phenylalanine hydroxylase activity compared to wild-type (PMID: 24401910, 17935162); Not observed at significant frequency in large population cohorts (gnomAD); Classified as not responsive to tetrahydrobiopterin (BH4) therapy (PMID: 17935162); This variant is associated with the following publications: (PMID: 25525159, 8406445, 10471838, 17935162, 30747360, 31980526, 36646061, 24401910, 30159852)

Labcorp Genetics (formerly Invitae), Labcorp
Classification: Pathogenic for Phenylketonuria. Last evaluated: 2025-01-29. Review status: criteria provided, single submitter. Criteria: Invitae Variant Classification Sherloc (09022015). Collection method: clinical testing. Allele origin: germline. Not counted in ClinVar's aggregate classification.
Comment: This sequence change creates a premature translational stop signal (p.Tyr356*) in the PAH gene. It is expected to result in an absent or disrupted protein product. Loss-of-function variants in PAH are known to be pathogenic (PMID: 1301187, 9634518). This variant is present in population databases (rs62516095, gnomAD 0.004%). This premature translational stop signal has been observed in individual(s) with hyperphenylalaninemia (PMID: 9860305, 10471838, 24301756, 26322415, 26600521, 26666653). ClinVar contains an entry for this variant (Variation ID: 595). Algorithms developed to predict the effect of sequence changes on RNA splicing suggest that this variant may disrupt the consensus splice site. For these reasons, this variant has been classified as Pathogenic.

Women's Health and Genetics/Laboratory Corporation of America, LabCorp
Classification: Pathogenic for Phenylketonuria. Last evaluated: 2020-07-24. Review status: criteria provided, single submitter. Criteria: LabCorp Variant Classification Summary - May 2015. Collection method: clinical testing. Allele origin: germline. Not counted in ClinVar's aggregate classification.
Comment: Variant summary: PAH c.1068C>G (p.Tyr356X) results in a premature termination codon, predicted to cause a truncation of the encoded protein or absence of the protein due to nonsense mediated decay, which are commonly known mechanisms for disease. Truncations downstream of this position have been classified as pathogenic by our laboratory. The variant is also located close to a canonical splice site in exon 11, and therefore could affect mRNA splicing, leading to a significantly altered protein sequence. At least one publication reported that the variant caused the complete lack of the full-length transcript in lymphocytes isolated from a homozygous patient, while resulting in two shorter fragments: one transcript with an out of frame skipping of exon 11 (~70%), and a second transcript (~30%) with an in frame deletion of exon 8-11 (that is predicted to result in the deletion of amino acids 282-400) (Ellingsen 1999). The variant allele was found at a frequency of 2e-05 in 251004 control chromosomes. c.1068C>G has been reported in the literature in multiple individuals affected with Phenylalanine Hydroxylase Deficiency (Phenylketonuria; e.g. Ellingsen_1999, Eiken_1996, Okano_1998, Liang_2014). These data indicate that the variant is very likely to be associated with disease. At least one publication reports experimental evidence that the variant impairs enzyme activity (e.g. Liang_2014). Three other clinical diagnostic laboratories have submitted clinical-significance assessments for this variant to ClinVar after 2014 without evidence for independent evaluation. All laboratories cited the variant as pathogenic. Based on the evidence outlined above, the variant was classified as pathogenic.

Natera, Inc.
Classification: Pathogenic for Phenylketonuria. Last evaluated: 2021-02-03. Review status: no assertion criteria provided. Collection method: clinical testing. Allele origin: germline. Not counted in ClinVar's aggregate classification.

Counsyl
Classification: Likely pathogenic for Phenylketonuria. Last evaluated: 2014-12-16. Review status: no assertion criteria provided. Collection method: literature only. Allele origin: unknown. Inheritance: Autosomal recessive inheritance. Not counted in ClinVar's aggregate classification.

OMIM
Classification: Pathogenic for PHENYLKETONURIA. Last evaluated: 1989-11-01. Review status: no assertion criteria provided. Collection method: literature only. Allele origin: germline. Not counted in ClinVar's aggregate classification.

DeBelle Laboratory for Biochemical Genetics, MUHC/MCH RESEARCH INSTITUTE
No classification provided. Review status: no classification provided. Collection method: not provided. Allele origin: not provided. Not counted in ClinVar's aggregate classification.

Literature cited by the submitters: PubMed 1301187 (cited by Labcorp Genetics (formerly Invitae), Labcorp); PubMed 9634518 (cited by Labcorp Genetics (formerly Invitae), Labcorp); PubMed 9860305 (cited by 3 submitters); PubMed 10471838 (cited by 3 submitters); PubMed 24301756 (cited by Labcorp Genetics (formerly Invitae), Labcorp and Women's Health and Genetics/Laboratory Corporation of America, LabCorp); PubMed 26322415 (cited by Labcorp Genetics (formerly Invitae), Labcorp); PubMed 26600521 (cited by Labcorp Genetics (formerly Invitae), Labcorp); PubMed 26666653 (cited by Labcorp Genetics (formerly Invitae), Labcorp); PubMed 24401910 (cited by Women's Health and Genetics/Laboratory Corporation of America, LabCorp and Counsyl); PubMed 17935162 (cited by Women's Health and Genetics/Laboratory Corporation of America, LabCorp and Counsyl); PubMed 23932990 (cited by Women's Health and Genetics/Laboratory Corporation of America, LabCorp); PubMed 8831077 (cited by Women's Health and Genetics/Laboratory Corporation of America, LabCorp); PubMed 28400091 (cited by Women's Health and Genetics/Laboratory Corporation of America, LabCorp); PubMed 8406445 (cited by Counsyl); PubMed 24350308 (cited by Counsyl); PubMed 21462123 (cited by Counsyl); PubMed 21811977 (cited by Counsyl); PubMed 20140859 (cited by Counsyl); Wang, T., Woo, S. L. C. Personal Communication. 1990. Houston, Tex. (cited by OMIM); PubMed 2816939 (cited by OMIM).